The following is an entry in ClinVar:

ClinVar aggregate classification (germline): Uncertain significance (1 of 4 stars; one submission).

Conditions:
Inborn genetic diseases. Identifiers: MedGen C0950123, MeSH D030342.

gnomAD v4.1: 5 of 1,613,830 alleles (0.00031%); highest among the groups gnomAD compares: Non-Finnish European, 0.00042%; no homozygotes.

Submission:

Ambry Genetics
Classification: Uncertain significance for Inborn genetic diseases. Last evaluated: 2022-03-08. Review status: criteria provided, single submitter. Criteria: Ambry Variant Classification Scheme 2023. Collection method: clinical testing. Allele origin: germline.
Comment: The p.L866M variant (also known as c.2596C>A), located in coding exon 16 of the EPAS1 gene, results from a C to A substitution at nucleotide position 2596. The leucine at codon 866 is replaced by methionine, an amino acid with highly similar properties. This amino acid position is conserved. In addition, the in silico prediction for this alteration is inconclusive. Since supporting evidence is limited at this time, the clinical significance of this alteration remains unclear.

NM_001430.5(EPAS1):c.2596C>A (p.Leu866Met)

Gene: EPAS1 (endothelial PAS domain protein 1; plus strand). Cytogenetic location: 2p21.
Variant type: single nucleotide variant.
Coding change: c.2596C>A on transcript NM_001430.5 (MANE Select); coding-DNA position 2596, C replaced by A.
Protein change: p.Leu866Met; replaces leucine 866 with methionine.
Molecular consequence: missense variant.
Genome position (GRCh38, 1-based): chr2:46,384,643, C>A. VCF-style: chr2-46384643-C-A. GRCh37 (hg19) VCF-style: chr2-46611782-C-A.
Other names: short protein forms L866M.
Identifiers: ClinVar variation 1793571 (VCV001793571.2), dbSNP rs2546483846, ClinGen allele CA346707200.